The following is an entry in ClinVar:

ClinVar aggregate classification (germline): Pathogenic/Likely pathogenic. Review status: criteria provided, multiple submitters, no conflicts (2 of 4 stars). 2 submissions from 2 submitters: Pathogenic (1); Likely pathogenic (1). Last evaluated 2023-03-10.

Conditions:
Hereditary cancer-predisposing syndrome. Also called: Hereditary neoplastic syndrome; Neoplastic Syndromes, Hereditary; Tumor predisposition; Hereditary Cancer Syndrome. Identifiers: Orphanet 140162, MedGen C0027672, MeSH D009386, MONDO:0015356.
Ataxia-telangiectasia-like disorder 1 (ATLD1). Identifiers: Orphanet 251347, MedGen C4012790, MONDO:0024557, OMIM 604391.

Submissions (2):

Ambry Genetics
Classification: Likely pathogenic for Hereditary cancer-predisposing syndrome. Last evaluated: 2023-03-10. Review status: criteria provided, single submitter. Criteria: Ambry Variant Classification Scheme 2023. Collection method: clinical testing. Allele origin: germline.
Comment: The c.403-2A>T intronic variant results from an A to T substitution two nucleotides upstream from coding exon 5 in the MRE11A gene. This nucleotide position is highly conserved in available vertebrate species. In silico splice site analysis predicts that this alteration will weaken the native splice acceptor site and may result in the creation or strengthening of a novel splice acceptor site. RNA studies have demonstrated that this alteration results in abnormal splicing in the set of samples tested (Ambry internal data). Based on the majority of available evidence to date, this variant is likely to be pathogenic.

Revvity Omics, Revvity
Classification: Pathogenic for Ataxia-telangiectasia-like disorder 1. Last evaluated: 2019-06-07. Review status: criteria provided, single submitter. Criteria: ACMG Guidelines, 2015. Collection method: clinical testing. Allele origin: germline.

NM_005591.4(MRE11):c.403-2A>T

Gene: MRE11 (MRE11 double strand break repair nuclease; minus strand). Cytogenetic location: 11q21.
Variant type: single nucleotide variant.
Coding change: c.403-2A>T on transcript NM_005591.4 (MANE Select); the canonical splice acceptor site of the intron before coding-DNA position 403, A replaced by T.
Molecular consequence: splice acceptor variant.
Genome position (GRCh38, 1-based): chr11:94,478,878, T>A on the plus strand (A>T on the coding strand, the complement: MRE11 is on the minus strand). VCF-style: chr11-94478878-T-A. GRCh37 (hg19) VCF-style: chr11-94212044-T-A.
Other names: c.403-2A>T (NM_001330347.2, NM_005590.4).
Identifiers: ClinVar variation 1323292 (VCV001323292.6), dbSNP rs2135086294, ClinGen allele CA382377821.